The following is an entry in ClinVar:

NM_015338.6(ASXL1):c.1351G>A (p.Asp451Asn)

Gene: ASXL1 (ASXL transcriptional regulator 1; plus strand). Cytogenetic location: 20q11.21.
Variant type: single nucleotide variant.
Coding change: c.1351G>A on transcript NM_015338.6 (MANE Select); coding-DNA position 1351, G replaced by A.
Protein change: p.Asp451Asn; replaces aspartic acid 451 with asparagine.
Molecular consequence: missense variant.
Genome position (GRCh38, 1-based): chr20:32,433,549, G>A. VCF-style: chr20-32433549-G-A. GRCh37 (hg19) VCF-style: chr20-31021352-G-A.
Other names: c.1168G>A, p.Asp390Asn (NM_001363734.1); short protein forms D390N, D451N.
Identifiers: ClinVar variation 4159047 (VCV004159047.1).

ClinVar aggregate classification (germline): Uncertain significance (1 of 4 stars; one submission).

Conditions:
Inborn genetic diseases. Identifiers: MedGen C0950123, MeSH D030342.

Submission:

Ambry Genetics
Classification: Uncertain significance for Inborn genetic diseases. Last evaluated: 2025-08-20. Review status: criteria provided, single submitter. Criteria: Ambry Variant Classification Scheme 2023. Collection method: clinical testing. Allele origin: germline.
Comment: The p.D451N variant (also known as c.1351G>A), located in coding exon 12 of the ASXL1 gene, results from a G to A substitution at nucleotide position 1351. The aspartic acid at codon 451 is replaced by asparagine, an amino acid with highly similar properties. This amino acid position is conserved. In addition, this alteration is predicted to be tolerated by in silico analysis. Based on the available evidence, the clinical significance of this variant remains unclear.